The following is an entry in ClinVar:

ClinVar aggregate classification (germline): Uncertain significance. Review status: criteria provided, multiple submitters, no conflicts (2 of 4 stars). 3 submissions from 3 submitters: Uncertain significance (3). Last evaluated 2026-03-13.

Conditions:
Inborn genetic diseases. Identifiers: MedGen C0950123, MeSH D030342.
RFT1-congenital disorder of glycosylation (CDG1N). Also called: CDG In; RFT1-CDG; Congenital disorder of glycosylation type In. Identifiers: Orphanet 244310, MedGen C2677590, MONDO:0012783, OMIM 612015.

Allele frequency attached by ClinVar (database versions not stated): TOPMed 0.00003.
gnomAD v4.1: 39 of 1,612,522 alleles (0.0024%); highest among the groups gnomAD compares: African/African-American, 0.0067%; no homozygotes.

Submissions (3):

GeneDx
Classification: Uncertain significance. Last evaluated: 2026-03-13. Review status: criteria provided, single submitter. Criteria: GeneDx Variant Classification Process June 2021. Collection method: clinical testing. Allele origin: germline.
Comment: Not observed at significant frequency in large population cohorts (gnomAD); In silico analysis supports that this missense variant has a deleterious effect on protein structure/function; Has not been previously published as pathogenic or benign to our knowledge

Labcorp Genetics (formerly Invitae), Labcorp
Classification: Uncertain significance for RFT1-congenital disorder of glycosylation. Last evaluated: 2024-12-16. Review status: criteria provided, single submitter. Criteria: Invitae Variant Classification Sherloc (09022015). Collection method: clinical testing. Allele origin: germline.
Comment: This sequence change replaces arginine, which is basic and polar, with glutamine, which is neutral and polar, at codon 25 of the RFT1 protein (p.Arg25Gln). This variant is present in population databases (rs780107020, gnomAD 0.007%). This variant has not been reported in the literature in individuals affected with RFT1-related conditions. ClinVar contains an entry for this variant (Variation ID: 2533037). Invitae Evidence Modeling of protein sequence and biophysical properties (such as structural, functional, and spatial information, amino acid conservation, physicochemical variation, residue mobility, and thermodynamic stability) indicates that this missense variant is expected to disrupt RFT1 protein function with a positive predictive value of 80%. In summary, the available evidence is currently insufficient to determine the role of this variant in disease. Therefore, it has been classified as a Variant of Uncertain Significance.

Ambry Genetics
Classification: Uncertain significance for Inborn genetic diseases. Last evaluated: 2023-04-05. Review status: criteria provided, single submitter. Criteria: Ambry Variant Classification Scheme 2023. Collection method: clinical testing. Allele origin: germline.

NM_052859.4(RFT1):c.74G>A (p.Arg25Gln)

Gene: RFT1 (RFT1 glycolipid translocator homolog; minus strand). Cytogenetic location: 3p21.1.
Variant type: single nucleotide variant.
Coding change: c.74G>A on transcript NM_052859.4 (MANE Select); coding-DNA position 74, G replaced by A.
Protein change: p.Arg25Gln; replaces arginine 25 with glutamine.
Molecular consequence: missense variant.
Genome position (GRCh38, 1-based): chr3:53,125,984, C>T on the plus strand (G>A on the coding strand, the complement: RFT1 is on the minus strand). VCF-style: chr3-53125984-C-T. GRCh37 (hg19) VCF-style: chr3-53160000-C-T.
Other names: short protein forms R25Q.
Identifiers: ClinVar variation 2533037 (VCV002533037.7), dbSNP rs780107020, ClinGen allele CA2451559.
Genomic context (GRCh38, chr3:53,125,984, plus strand): 5'-CCAACGATTTCCTTTGACAGGAAGCGAAGAATAAATGCATTCAAGACAAAGGTGATCAAC[C>T]GAAACAACACCTATAGAAAAAGAGGAAAAATACGTAAGAATAAATGACGTTAGAAGTGTT-3'
Protein context (NP_443091.1, residues 15-35): SSGLLLQVLF[Arg25Gln]LITFVLNAFI